The following is an entry in ClinVar:

ClinVar aggregate classification (germline): Uncertain significance (1 of 4 stars; one submission).

Conditions:
Kleefstra syndrome 1 (KLEFS1). Identifiers: Orphanet 261494, MedGen C0795833, MONDO:0027407, OMIM 610253.

gnomAD v4.1: 2 of 1,614,208 alleles (0.00012%); highest among the groups gnomAD compares: Non-Finnish European, 0.00017%; no homozygotes.

Submission:

Genomic Medicine Center of Excellence, King Faisal Specialist Hospital and Research Centre
Classification: Uncertain significance for Kleefstra syndrome 1. Last evaluated: 2024-10-13. Review status: criteria provided, single submitter. Criteria: ACMG Guidelines, 2015. Collection method: clinical testing. Allele origin: germline.
Comment: This variant (GRCh38; NM_024757.5:c.2552A>G:p.His851Arg) results in a missense mutation with the conversion of Histidine (Basic amino acid) to Arginine (Basic amino acid) in the EHMT1 protein. Not observed at significant frequency in large population cohorts (gnomAD). This variant has a strong Conservation score. Multiple lines of computational evidence support a deleterious effect on the gene or gene product for this variant. Missense variant in a gene for which primarily truncating variants are known to cause disease. To our knowledge this variant not been previously curated or reported in public Database. A literature search was performed for the gene and associated variants. Based on this search no publications were found. Based on conflicting evidence or insufficient data to determine whether the variant is benign or pathogenic, the clinical significance of this alteration remains unclear. In summary, this variant meets our criteria for classification as of Unknown Clinical Significance based on the evidence outlined.

NM_024757.5(EHMT1):c.2552A>G (p.His851Arg)

Gene: EHMT1 (euchromatic histone lysine methyltransferase 1; plus strand). Cytogenetic location: 9q34.3.
Variant type: single nucleotide variant.
Coding change: c.2552A>G on transcript NM_024757.5 (MANE Select); coding-DNA position 2552, A replaced by G.
Protein change: p.His851Arg; replaces histidine 851 with arginine.
Molecular consequence: missense variant.
Genome position (GRCh38, 1-based): chr9:137,798,859, A>G. VCF-style: chr9-137798859-A-G. GRCh37 (hg19) VCF-style: chr9-140693311-A-G.
Other names: c.2531A>G, p.His844Arg (NM_001354263.2); short protein forms H844R, H851R.
Identifiers: ClinVar variation 3363130 (VCV003363130.1).